The following is an entry in ClinVar:

ClinVar aggregate classification (germline): Pathogenic (1 of 4 stars; one submission).

Conditions:
Oto-palato-digital syndrome, type II (OPD2). Also called: FACIOPALATOOSSEOUS SYNDROME; OPD II SYNDROME; Otopalatodigital Syndrome Type 2 (FLNA-OPD2); Otopalatodigital Syndrome, Type II. Identifiers: Orphanet 669, Orphanet 90652, MedGen C1844696, MONDO:0010571, OMIM 304120.
Melnick-Needles syndrome (MNS). Also called: MELNICK-NEEDLES OSTEODYSPLASTY; OSTEODYSPLASTY OF MELNICK AND NEEDLES; Melnick-Needles Syndrome (FLNA-MNS). Identifiers: Orphanet 2484, MedGen C0025237, MONDO:0010650, OMIM 309350.
Frontometaphyseal dysplasia (FMD1). Identifiers: Orphanet 1826, MedGen C0265293, MONDO:0015942.
Heterotopia, periventricular, X-linked dominant (PVNH1). Also called: PERIVENTRICULAR NODULAR HETEROTOPIA 1; X-linked periventricular heterotopia; PERIVENTRICULAR NODULAR HETEROTOPIA 4; HETEROTOPIA, PERIVENTRICULAR, 1. Identifiers: Orphanet 2149, Orphanet 82004, MedGen C1848213, MONDO:0010233, OMIM 300049.

Submission:

Labcorp Genetics (formerly Invitae), Labcorp
Classification: Pathogenic for Oto-palato-digital syndrome, type II; Heterotopia, periventricular, X-linked dominant; Frontometaphyseal dysplasia; Melnick-Needles syndrome. Last evaluated: 2022-09-21. Review status: criteria provided, single submitter. Criteria: Invitae Variant Classification Sherloc (09022015). Collection method: clinical testing. Allele origin: germline.
Comment: For these reasons, this variant has been classified as Pathogenic. This variant has not been reported in the literature in individuals affected with FLNA-related conditions. This variant is not present in population databases (gnomAD no frequency). This sequence change creates a premature translational stop signal (p.Lys87Argfs*19) in the FLNA gene. It is expected to result in an absent or disrupted protein product. Loss-of-function variants in FLNA are known to be pathogenic (PMID: 16684786, 20730588, 26471271).

Literature cited by the submitters: PubMed 16684786; PubMed 20730588; PubMed 26471271.

NM_001110556.2(FLNA):c.259_260insG (p.Lys87fs)

Gene: FLNA (filamin A; minus strand). Cytogenetic location: Xq28.
Variant type: Insertion.
Coding change: c.259_260insG on transcript NM_001110556.2 (MANE Select); coding-DNA positions 259 to 260, G inserted.
Protein change: p.Lys87fs; shifts the reading frame from lysine 87.
Molecular consequence: frameshift variant.
Genome position: GRCh38 VCF-style: chrX-154370986-T-TC. GRCh37 (hg19) VCF-style: chrX-153599354-T-TC.
Other names: c.259_260insG, p.Lys87fs (NM_001456.4); short protein forms K87fs.
Identifiers: ClinVar variation 2031646 (VCV002031646.4), dbSNP rs2522771473, ClinGen allele CA2580101770.